The following is an entry in ClinVar:

ClinVar aggregate classification (germline): Pathogenic (1 of 4 stars; one submission).

Conditions:
T-B+ severe combined immunodeficiency due to JAK3 deficiency. Also called: SCID, T CELL-NEGATIVE, B CELL-POSITIVE, NK CELL-NEGATIVE; SCID, autosomal recessive, T-negative/B-positive type. Identifiers: Orphanet 35078, MedGen C1833275, MONDO:0010938, OMIM 600802.

Submission:

Labcorp Genetics (formerly Invitae), Labcorp
Classification: Pathogenic for T-B+ severe combined immunodeficiency due to JAK3 deficiency. Last evaluated: 2025-07-22. Review status: criteria provided, single submitter. Criteria: Invitae Variant Classification Sherloc (09022015). Collection method: clinical testing. Allele origin: germline.
Comment: This sequence change creates a premature translational stop signal (p.Leu471Serfs*15) in the JAK3 gene. It is expected to result in an absent or disrupted protein product. Loss-of-function variants in JAK3 are known to be pathogenic (PMID: 7481768, 11668621). This variant is not present in population databases (gnomAD no frequency). This variant has not been reported in the literature in individuals affected with JAK3-related conditions. For these reasons, this variant has been classified as Pathogenic.

Literature cited by the submitters: PubMed 7481768; PubMed 11668621.

NM_000215.4(JAK3):c.1411del (p.Leu471fs)

Gene: JAK3 (Janus kinase 3; minus strand). Cytogenetic location: 19p13.11.
Variant type: Deletion.
Coding change: c.1411del on transcript NM_000215.4 (MANE Select); coding-DNA position 1411, one base deleted (C; older notation c.1411delC).
Protein change: p.Leu471fs; shifts the reading frame from leucine 471.
Molecular consequence: frameshift variant.
Genome position (GRCh38, 1-based): chr19:17,839,507, G deleted on the plus strand (C on the coding strand, the reverse complement: JAK3 is on the minus strand); the first of 3 consecutive G bases (chr19:17,839,507-17,839,509); deleting any one gives the same sequence. VCF-style (leftmost placement, unchanged base first): chr19-17839506-AG-A. GRCh37 (hg19) VCF-style: chr19-17950315-AG-A.
Other names: c.1411del, p.Leu471fs (NM_001440439.1); short protein forms L471fs.
Identifiers: ClinVar variation 4721405 (VCV004721405.1).
Genomic context (GRCh38, chr19:17,839,506, plus strand): 5'-GCCACTCATTCCAGGGGAGGAAGGGGCTCACCTTTGGGTCTGGGGATACAGCAGGAAGTG[AG>A]GGTCACTGCCACCCCATCTACGTGCAGCCCCCCATCCCAGCAGGTTGCCAGGAGCTCTCG-3'